The following is an entry in ClinVar:

NM_000419.5(ITGA2B):c.1599_1600del (p.Ser534fs)

Gene: ITGA2B (integrin subunit alpha 2b; minus strand). Cytogenetic location: 17q21.31.
Variant type: Deletion.
Coding change: c.1599_1600del on transcript NM_000419.5 (MANE Select); coding-DNA positions 1599 to 1600, 2 bases deleted (AT; older notation c.1599_1600delAT).
Protein change: p.Ser534fs; shifts the reading frame from serine 534.
Molecular consequence: frameshift variant.
Genome position (GRCh38, 1-based): chr17:44,380,246-44,380,247, AT deleted on the plus strand (AT on the coding strand, the reverse complement: ITGA2B is on the minus strand); deleting any 2 consecutive bases within chr17:44,380,246-44,380,248 gives the same sequence; the c. name uses the placement nearest the transcript's 3' end. VCF-style (leftmost placement, unchanged base first): chr17-44380245-CAT-C. GRCh37 (hg19) VCF-style: chr17-42457613-CAT-C.
Other names: NM_000419.5:c.1599_1600del; short protein forms S534fs.
Identifiers: ClinVar variation 1879031 (VCV001879031.1), dbSNP rs2510079502, ClinGen allele CA915940788.
Genomic context (GRCh38, chr17:44,380,245, plus strand): 5'-CCTGGCCAGCCTCCGGGGGAGTCCAAGCCCACCTCCCTCCTGCCCCCTTCATGCCACTCA[CAT>C]AGCTTCTGAGGAATGTTGTGCCCAGTGGCTCCAACACACATCTGGATGTTGAAGCTGCAA-3'

ClinVar aggregate classification (germline): Pathogenic (3 of 4 stars; one submission).

Conditions:
Glanzmann thrombasthenia. Also called: PLATELET GLYCOPROTEIN IIb-IIIa DEFICIENCY; BLEEDING DISORDER, PLATELET-TYPE, 2; THROMBASTHENIA OF GLANZMANN AND NAEGELI; Thrombasthenia; Glanzmann's thrombasthenia. Identifiers: Orphanet 849, MedGen C0040015, MONDO:0100326.

Submission:

ClinGen Platelet Disorders Variant Curation Expert Panel, ClinGen
Classification: Pathogenic for Glanzmann thrombasthenia. Last evaluated: 2022-08-05. Review status: reviewed by expert panel. Criteria: ClinGen Platelet ACMG Specifications v2-1. Collection method: curation. Allele origin: germline. Inheritance: Autosomal recessive inheritance.
Comment: The NM_000419.5:c.1599_1600del (p.Ser534ProfsTer) variant in ITGA2B exon 16 is a frameshift variant predicted to cause a premature stop codon in biologically-relevant-exon 17/30 and is predicted to lead to nonsense mediated decay in a gene in which loss-of-function is an established disease mechanism (PVS1). Although in silico tools predict the gain of a splice donor site 3 bp downstream that could lead to reading frame restoration, RT-PCR analysis of this region using RNA from a patient homozygous for the variant (GT-10, PMID: 25539746) confirmed the presence of mRNA with the 2 bp deletion and did not identify evidence of a restored reading frame (personal communication with Dr. Jose_x0019_ Rivera (Servicio de Hematolog_x0019_ıa y Oncolog_x0019_ıa Me_x0019_dica, Hospital Universitario Morales Meseguer, Centro Regional de Hemodonacio_x0019_n, Universidad de Murcia)). This variant has been detected in homozygosity in at least one proband with Glanzmann thrombasthenia (GT-10, PMID: 25539746). Total points: 0.5 (PM3_Supporting). This patient (Patient GT-10 in PMID: 25539746) displayed mucocutaneous bleeding and impaired aggregation with all agonists except ristocetin, which is highly specific for Glanzmann thrombasthenia (PP4_moderate). This variant is absent from gnomAD v2.1.1 (PM2_Supporting). In summary, this variant meets the criteria to be classified as pathogenic for autosomal recessive Glanzmann Thrombasthenia based on the ACMG/AMP criteria applied, as specified by the ClinGen PD VCEP: PVS1, PP4_Moderate, PM2_Supporting, PM3_Supporting. (VCEP specifications version 2; date of approval 08/04/2022)